The following is an entry in ClinVar:

ClinVar aggregate classification (germline): Uncertain significance (1 of 4 stars; one submission).

Conditions:
Brugada syndrome 8 (BRGDA8). Identifiers: Orphanet 130, MedGen C2751083, MONDO:0013148, OMIM 613123.

Submission:

Labcorp Genetics (formerly Invitae), Labcorp
Classification: Uncertain significance for Brugada syndrome 8. Last evaluated: 2022-04-10. Review status: criteria provided, single submitter. Criteria: Invitae Variant Classification Sherloc (09022015). Collection method: clinical testing. Allele origin: germline.
Comment: This variant, c.3256_3258dup, results in the insertion of 1 amino acid(s) of the HCN4 protein (p.Ile1086dup), but otherwise preserves the integrity of the reading frame. This variant is not present in population databases (gnomAD no frequency). This variant has not been reported in the literature in individuals affected with HCN4-related conditions. In summary, the available evidence is currently insufficient to determine the role of this variant in disease. Therefore, it has been classified as a Variant of Uncertain Significance.

NM_005477.3(HCN4):c.3256_3258dup (p.Ile1086_Ser1087insIle)

Gene: HCN4 (hyperpolarization activated cyclic nucleotide gated potassium channel 4; minus strand). Cytogenetic location: 15q24.1.
Variant type: Duplication.
Coding change: c.3256_3258dup on transcript NM_005477.3 (MANE Select); coding-DNA positions 3256 to 3258, 3 bases duplicated (ATC; older notation c.3256_3258dupATC).
Protein change: p.Ile1086_Ser1087insIle.
Molecular consequence: inframe insertion.
Genome position (GRCh38, 1-based): chr15:73,322,835-73,322,837, GAT duplicated on the plus strand (ATC on the coding strand, the reverse complement: HCN4 is on the minus strand); duplicating any 3 consecutive bases within chr15:73,322,835-73,322,839 gives the same sequence; the c. name uses the placement nearest the transcript's 3' end. VCF-style (leftmost placement, unchanged base first): chr15-73322834-A-AGAT. GRCh37 (hg19) VCF-style: chr15-73615175-A-AGAT.
Identifiers: ClinVar variation 2124342 (VCV002124342.4), dbSNP rs2549068061, ClinGen allele CA2580089970.